The following is an entry in ClinVar:

NM_001040108.2(MLH3):c.3584T>G (p.Val1195Gly)

Gene: MLH3 (mutL homolog 3; minus strand). Cytogenetic location: 14q24.3.
Variant type: single nucleotide variant.
Coding change: c.3584T>G on transcript NM_001040108.2 (MANE Select); coding-DNA position 3584, T replaced by G.
Protein change: p.Val1195Gly; replaces valine 1195 with glycine.
Molecular consequence: missense variant.
Genome position (GRCh38, 1-based): chr14:75,038,399, A>C on the plus strand (T>G on the coding strand, the complement: MLH3 is on the minus strand). VCF-style: chr14-75038399-A-C. GRCh37 (hg19) VCF-style: chr14-75505102-A-C.
Other names: c.3584T>G, p.Val1195Gly (NM_014381.3); short protein forms V1195G.
Identifiers: ClinVar variation 1732928 (VCV001732928.7), dbSNP rs768301936, ClinGen allele CA7275413.

ClinVar aggregate classification (germline): Uncertain significance. Review status: criteria provided, multiple submitters, no conflicts (2 of 4 stars). 2 submissions from 2 submitters: Uncertain significance (2). Last evaluated 2025-10-13.

Conditions:
Colorectal cancer, hereditary nonpolyposis, type 7. Identifiers: Orphanet 144, MedGen C1858380, MONDO:0013725, OMIM 614385.

gnomAD v4.1: 13 of 1,612,262 alleles (0.00081%); highest among the groups gnomAD compares: Non-Finnish European, 0.0011%; no homozygotes.

Submissions (2):

Labcorp Genetics (formerly Invitae), Labcorp
Classification: Uncertain significance for Colorectal cancer, hereditary nonpolyposis, type 7. Last evaluated: 2025-10-13. Review status: criteria provided, single submitter. Criteria: Invitae Variant Classification Sherloc (09022015). Collection method: clinical testing. Allele origin: germline.
Comment: This sequence change replaces valine, which is neutral and non-polar, with glycine, which is neutral and non-polar, at codon 1195 of the MLH3 protein (p.Val1195Gly). This variant is present in population databases (rs768301936, gnomAD 0.002%). This variant has not been reported in the literature in individuals affected with MLH3-related conditions. ClinVar contains an entry for this variant (Variation ID: 1732928). An algorithm developed to predict the effect of missense changes on protein structure and function (PolyPhen-2) suggests that this variant is likely to be disruptive. In summary, the available evidence is currently insufficient to determine the role of this variant in disease. Therefore, it has been classified as a Variant of Uncertain Significance.

Ambry Genetics
Classification: Uncertain significance. Last evaluated: 2023-11-28. Review status: criteria provided, single submitter. Criteria: Ambry Variant Classification Scheme 2023. Collection method: clinical testing. Allele origin: germline.
Comment: The p.V1195G variant (also known as c.3584T>G), located in coding exon 5 of the MLH3 gene, results from a T to G substitution at nucleotide position 3584. The valine at codon 1195 is replaced by glycine, an amino acid with dissimilar properties. This amino acid position is conserved. In addition, this alteration is predicted to be deleterious by in silico analysis. Since supporting evidence is limited at this time, the clinical significance of this alteration remains unclear.